The following is an entry in ClinVar:

NM_001009999.3(KDM1A):c.136G>A (p.Gly46Ser)

Gene: KDM1A (lysine demethylase 1A; plus strand). Cytogenetic location: 1p36.12.
Variant type: single nucleotide variant.
Coding change: c.136G>A on transcript NM_001009999.3 (MANE Select); coding-DNA position 136, G replaced by A.
Protein change: p.Gly46Ser; replaces glycine 46 with serine.
Molecular consequence: missense variant.
Genome position (GRCh38, 1-based): chr1:23,019,732, G>A. VCF-style: chr1-23019732-G-A. GRCh37 (hg19) VCF-style: chr1-23346225-G-A.
Other names: c.136G>A, p.Gly46Ser (NM_001363654.2, NM_015013.4); short protein forms G46S.
Identifiers: ClinVar variation 931593 (VCV000931593.43), dbSNP rs144822945, ClinGen allele CA679408.

ClinVar aggregate classification (germline): Conflicting classifications of pathogenicity. Review status: criteria provided, conflicting classifications (1 of 4 stars). 6 submissions from 6 submitters: Uncertain significance (1); Benign (1); Likely benign (3). 1 of the submissions does not count toward it. Last evaluated 2026-09-01.

Conditions:
KDM1A-related disorder. Also called: KDM1A-related condition.
Palatal anomalies-widely spaced teeth-facial dysmorphism-developmental delay syndrome. Also called: Cleft palate, psychomotor retardation, and distinctive facial features. Identifiers: Orphanet 477993, MedGen C4225229, MONDO:0014751, OMIM 616728.

Allele frequency attached by ClinVar (database versions not stated): 1000 Genomes Project 0.00160; 1000 Genomes Project 30x 0.00187; gnomAD exomes 0.00412 and 0.00762; TOPMed 0.00569; gnomAD 0.00596 and 0.00607; ExAC 0.01220.
gnomAD v4.1: 9,811 of 1,331,034 alleles (0.74%); highest among the groups gnomAD compares: Admixed American, 0.85%; 50 homozygotes.

Submissions (6):

CeGaT Center for Human Genetics Tuebingen
Classification: Likely benign. Last evaluated: 2026-09-01. Review status: criteria provided, single submitter. Criteria: CeGaT Center For Human Genetics Tuebingen Variant Classification Criteria Version 2. Collection method: clinical testing. Allele origin: germline. Affected: yes. Observed: 34 variant alleles.
Comment: KDM1A: BS2

Labcorp Genetics (formerly Invitae), Labcorp
Classification: Benign. Last evaluated: 2026-02-01. Review status: criteria provided, single submitter. Criteria: Invitae Variant Classification Sherloc (09022015). Collection method: clinical testing. Allele origin: germline.

Blueprint Genetics
Classification: Likely benign. Last evaluated: 2024-11-26. Review status: criteria provided, single submitter. Criteria: ACMG Guidelines, 2015. Collection method: clinical testing. Allele origin: germline.

Genetic Services Laboratory, University of Chicago
Classification: Likely benign. Last evaluated: 2022-01-18. Review status: criteria provided, single submitter. Criteria: ACMG Guidelines, 2015. Collection method: clinical testing. Allele origin: germline. Affected: no.

Centre for Mendelian Genomics, University Medical Centre Ljubljana
Classification: Uncertain significance for Palatal anomalies-widely spaced teeth-facial dysmorphism-developmental delay syndrome. Last evaluated: 2019-08-12. Review status: criteria provided, single submitter. Criteria: ACMG Guidelines, 2015. Collection method: clinical testing. Allele origin: unknown. Affected: yes.
Comment: This variant was classified as: Uncertain significance. The available evidence on this variant's pathogenicity is insufficient or conflicting. The following ACMG criteria were applied in classifying this variant: PP3,BS2.

PreventionGenetics, part of Exact Sciences
Classification: Benign for KDM1A-related condition. Last evaluated: 2019-03-27. Review status: no assertion criteria provided. Collection method: clinical testing. Allele origin: germline. Not counted in ClinVar's aggregate classification.
Comment: This variant is classified as benign based on ACMG/AMP sequence variant interpretation guidelines (Richards et al. 2015 PMID: 25741868, with internal and published modifications).